The following is an entry in ClinVar:

NM_018417.6(ADCY10):c.254-6del

Genes: ADCY10 (adenylate cyclase 10; minus strand), DCAF6 (DDB1 and CUL4 associated factor 6; plus strand). Cytogenetic location: 1q24.2.
Variant type: Deletion.
Coding change: c.254-6del on transcript NM_018417.6 (MANE Select); 6 bases into the intron before coding-DNA position 254, one base deleted (T; older notation c.254-6delT).
Molecular consequence: intron variant.
Genome position (GRCh38, 1-based): chr1:167,902,060, A deleted on the plus strand (T on the coding strand, the reverse complement: ADCY10 is on the minus strand); the first of 14 consecutive A bases (chr1:167,902,060-167,902,073); deleting any one gives the same sequence. VCF-style (leftmost placement, unchanged base first): chr1-167902059-GA-G. GRCh37 (hg19) VCF-style: chr1-167871297-GA-G.
Other names: p.?; c.-62-6del (NM_001167749.3); c.-60-6del (NM_001297772.2).
Identifiers: ClinVar variation 769249 (VCV000769249.8), dbSNP rs746507234, ClinGen allele CA1228349.

ClinVar aggregate classification (germline): Benign/Likely benign. Review status: criteria provided, multiple submitters, no conflicts (2 of 4 stars). 5 submissions from 5 submitters: Benign (4); Likely benign (1). Last evaluated 2024-11-26.

Conditions:
Familial idiopathic hypercalciuria (HCA2). Also called: Hypercalciuria, absorptive, 2; Hypercalciuria, absorptive, susceptibility to. Identifiers: MedGen C0342639, MONDO:0007748, OMIM 143870.

Submissions (5):

Blueprint Genetics
Classification: Likely benign. Last evaluated: 2024-11-26. Review status: criteria provided, single submitter. Criteria: ACMG Guidelines, 2015. Collection method: clinical testing. Allele origin: germline.

Mayo Clinic Laboratories, Mayo Clinic
Classification: Benign. Last evaluated: 2022-09-23. Review status: criteria provided, single submitter. Criteria: ACMG Guidelines, 2015. Collection method: clinical testing. Allele origin: germline. Observed: 51 variant alleles.
Comment: BA1, BP4, BP7

Fulgent Genetics
Classification: Benign for Familial idiopathic hypercalciuria. Last evaluated: 2022-02-16. Review status: criteria provided, single submitter. Criteria: ACMG Guidelines, 2015. Collection method: clinical testing. Allele origin: unknown.

GeneDx
Classification: Benign. Last evaluated: 2019-12-08. Review status: criteria provided, single submitter. Criteria: GeneDx Variant Classification Process June 2021. Collection method: clinical testing. Allele origin: germline. Affected: yes.

Labcorp Genetics (formerly Invitae), Labcorp
Classification: Benign. Last evaluated: 2017-08-02. Review status: criteria provided, single submitter. Criteria: Invitae Variant Classification Sherloc (09022015). Collection method: clinical testing. Allele origin: germline.